The following is an entry in ClinVar:

ClinVar aggregate classification (germline): Uncertain significance (1 of 4 stars; one submission).

Conditions:
Cardiovascular phenotype. Identifiers: MedGen CN230736.

Submission:

Ambry Genetics
Classification: Uncertain significance for Cardiovascular phenotype. Last evaluated: 2024-03-20. Review status: criteria provided, single submitter. Criteria: Ambry Variant Classification Scheme 2023. Collection method: clinical testing. Allele origin: germline.
Comment: The p.L452R variant (also known as c.1355T>G), located in coding exon 4 of the BAG3 gene, results from a T to G substitution at nucleotide position 1355. The leucine at codon 452 is replaced by arginine, an amino acid with dissimilar properties. This amino acid position is highly conserved in available vertebrate species. In addition, this alteration is predicted to be deleterious by in silico analysis. Based on the available evidence, the clinical significance of this alteration remains unclear.

NM_004281.4(BAG3):c.1355T>G (p.Leu452Arg)

Gene: BAG3 (BAG cochaperone 3; plus strand). Cytogenetic location: 10q26.11.
Variant type: single nucleotide variant.
Coding change: c.1355T>G on transcript NM_004281.4 (MANE Select); coding-DNA position 1355, T replaced by G.
Protein change: p.Leu452Arg; replaces leucine 452 with arginine.
Molecular consequence: missense variant.
Genome position (GRCh38, 1-based): chr10:119,676,909, T>G. VCF-style: chr10-119676909-T-G. GRCh37 (hg19) VCF-style: chr10-121436421-T-G.
Other names: short protein forms L452R.
Identifiers: ClinVar variation 3260162 (VCV003260162.1).